The following is an entry in ClinVar:

NM_000548.5(TSC2):c.2488C>G (p.Leu830Val)

Gene: TSC2 (TSC complex subunit 2; plus strand). Cytogenetic location: 16p13.3.
Variant type: single nucleotide variant.
Coding change: c.2488C>G on transcript NM_000548.5 (MANE Select); coding-DNA position 2488, C replaced by G.
Protein change: p.Leu830Val; replaces leucine 830 with valine.
Molecular consequence: missense variant. On other transcripts: non-coding transcript variant (5).
Genome position (GRCh38, 1-based): chr16:2,074,332, C>G. VCF-style: chr16-2074332-C-G. GRCh37 (hg19) VCF-style: chr16-2124333-C-G.
Other names: c.2341C>G, p.Leu781Val (NM_001406675.1, NM_001406676.1, NM_001406679.1 and 1 more transcripts); c.2431C>G, p.Leu811Val (NM_001406677.1); c.2377C>G, p.Leu793Val (NM_001406678.1, NM_001318827.2, NM_001406670.1); c.1888C>G, p.Leu630Val (NM_001406680.1, NM_001406682.1, NM_001406683.1 and 6 more transcripts); c.2026C>G, p.Leu676Val (NM_001406681.1); c.2488C>G, p.Leu830Val (NM_001077183.3, NM_001114382.3, NM_001363528.2 and 6 more transcripts); c.2521C>G, p.Leu841Val (NM_001318832.2); c.2578C>G, p.Leu860Val (NM_001406667.1, NM_001406668.1); and 3 more; short protein forms L296V, L382V, L630V, L676V, L781V, L793V, L811V, L826V.
Identifiers: ClinVar variation 4802862 (VCV004802862.2).

ClinVar aggregate classification (germline): Uncertain significance. Review status: criteria provided, multiple submitters, no conflicts (2 of 4 stars). 2 submissions from 2 submitters: Uncertain significance (2). Last evaluated 2026-07-06.

Conditions:
Tuberous sclerosis 2 (TSC2). Identifiers: Orphanet 805, MedGen C1860707, MONDO:0013199, OMIM 613254.
Hereditary cancer-predisposing syndrome. Also called: Hereditary Cancer Syndrome; Hereditary neoplastic syndrome; Neoplastic Syndromes, Hereditary; Tumor predisposition. Identifiers: Orphanet 140162, MedGen C0027672, MeSH D009386, MONDO:0015356.

Submissions (2):

Ambry Genetics
Classification: Uncertain significance for Hereditary cancer-predisposing syndrome. Last evaluated: 2026-07-06. Review status: criteria provided, single submitter. Criteria: Ambry Variant Classification Scheme 2023. Collection method: clinical testing. Allele origin: germline.
Comment: The p.L830V variant (also known as c.2488C>G), located in coding exon 21 of the TSC2 gene, results from a C to G substitution at nucleotide position 2488. The leucine at codon 830 is replaced by valine, an amino acid with highly similar properties. This amino acid position is conserved. In addition, this alteration is predicted to be deleterious by in silico analysis. Based on the available evidence, the clinical significance of this variant remains unclear.

Labcorp Genetics (formerly Invitae), Labcorp
Classification: Uncertain significance for Tuberous sclerosis 2. Last evaluated: 2025-09-22. Review status: criteria provided, single submitter. Criteria: Invitae Variant Classification Sherloc (09022015). Collection method: clinical testing. Allele origin: germline.
Comment: This sequence change replaces leucine, which is neutral and non-polar, with valine, which is neutral and non-polar, at codon 830 of the TSC2 protein (p.Leu830Val). This variant is not present in population databases (gnomAD no frequency). This variant has not been reported in the literature in individuals affected with TSC2-related conditions. Invitae Evidence Modeling of protein sequence and biophysical properties (such as structural, functional, and spatial information, amino acid conservation, physicochemical variation, residue mobility, and thermodynamic stability) indicates that this missense variant is not expected to disrupt TSC2 protein function with a negative predictive value of 95%. In summary, the available evidence is currently insufficient to determine the role of this variant in disease. Therefore, it has been classified as a Variant of Uncertain Significance.